The following is an entry in ClinVar:

ClinVar aggregate classification (germline): Uncertain significance. Review status: criteria provided, multiple submitters, no conflicts (2 of 4 stars). 2 submissions from 2 submitters: Uncertain significance (2). Last evaluated 2024-01-03.

Allele frequency attached by ClinVar (database versions not stated): gnomAD 0.00001; gnomAD exomes 0.00001; ExAC 0.00003; TOPMed 0.00003.
gnomAD v4.1: 19 of 1,604,208 alleles (0.0012%); highest among the groups gnomAD compares: East Asian, 0.02%; no homozygotes.

Submissions (2):

Ambry Genetics
Classification: Uncertain significance. Last evaluated: 2024-01-03. Review status: criteria provided, single submitter. Criteria: Ambry Variant Classification Scheme 2023. Collection method: clinical testing. Allele origin: germline.

Labcorp Genetics (formerly Invitae), Labcorp
Classification: Uncertain significance. Last evaluated: 2022-11-23. Review status: criteria provided, single submitter. Criteria: Invitae Variant Classification Sherloc (09022015). Collection method: clinical testing. Allele origin: germline.
Comment: This sequence change replaces arginine, which is basic and polar, with histidine, which is basic and polar, at codon 634 of the LSR protein (p.Arg634His). This variant is present in population databases (rs770630620, gnomAD 0.03%). This variant has not been reported in the literature in individuals affected with LSR-related conditions. Algorithms developed to predict the effect of missense changes on protein structure and function are either unavailable or do not agree on the potential impact of this missense change (SIFT: "Deleterious"; PolyPhen-2: "Probably Damaging"; Align-GVGD: "Class C0"). In summary, the available evidence is currently insufficient to determine the role of this variant in disease. Therefore, it has been classified as a Variant of Uncertain Significance.

NM_205834.4(LSR):c.1757G>A (p.Arg586His)

Gene: LSR (lipolysis stimulated lipoprotein receptor; plus strand). Cytogenetic location: 19q13.12.
Variant type: single nucleotide variant.
Coding change: c.1757G>A on transcript NM_205834.4 (MANE Select); coding-DNA position 1757, G replaced by A.
Protein change: p.Arg586His; replaces arginine 586 with histidine.
Molecular consequence: missense variant.
Genome position (GRCh38, 1-based): chr19:35,267,721, G>A. VCF-style: chr19-35267721-G-A. GRCh37 (hg19) VCF-style: chr19-35758624-G-A.
Other names: c.1901G>A (NM_205834.2); c.1697G>A, p.Arg566His (NM_001260489.2); c.1433G>A, p.Arg478His (NM_001260490.2); c.1550G>A, p.Arg517His (NM_001385215.1); c.1700G>A, p.Arg567His (NM_015925.7); c.1553G>A, p.Arg518His (NM_205835.4); short protein forms R518H, R478H, R517H, R566H, R567H, R586H.
Identifiers: ClinVar variation 2854250 (VCV002854250.4), dbSNP rs770630620, ClinGen allele CA9375193.
Genomic context (GRCh38, chr19:35,267,721, plus strand): 5'-CCTACTACCCGCCCGCGCCGCCCCCGTACTCGGAGACCGACTCGCAGGCGTCCCGAGAGC[G>A]CAGGCTCAAGAAGGTGAGGGCCGCCCTCCCTGGCGTCCAGACCGTCCCTGGGCCCCCAGC-3'
Protein context (NP_991403.2, residues 576-596): SETDSQASRE[Arg586His]RLKKNLALSR